The following is an entry in ClinVar:

ClinVar aggregate classification (germline): Conflicting classifications of pathogenicity. Review status: criteria provided, conflicting classifications (1 of 4 stars). 5 submissions from 5 submitters: Uncertain significance (3); Likely benign (2). Last evaluated 2025-10-28.

Conditions:
Dilated cardiomyopathy 1DD (CMD1DD). Identifiers: Orphanet 154, MedGen C2750995, MONDO:0013168, OMIM 613172.
Cardiovascular phenotype. Identifiers: MedGen CN230736.

Allele frequency attached by ClinVar (database versions not stated): gnomAD exomes 0.00001 and 0.00004; gnomAD 0.00005 and 0.00006; TOPMed 0.00006; ExAC 0.00009.
gnomAD v4.1: 17 of 1,550,750 alleles (0.0011%); highest among the groups gnomAD compares: African/African-American, 0.023%; no homozygotes.

Submissions (5):

Labcorp Genetics (formerly Invitae), Labcorp
Classification: Likely benign for Dilated cardiomyopathy 1DD. Last evaluated: 2025-10-28. Review status: criteria provided, single submitter. Criteria: Invitae Variant Classification Sherloc (09022015). Collection method: clinical testing. Allele origin: germline.

Molecular Diagnostic Laboratory for Inherited Cardiovascular Disease, Montreal Heart Institute
Classification: Likely benign. Last evaluated: 2025-07-24. Review status: criteria provided, single submitter. Criteria: ACMG Guidelines, 2015. Collection method: clinical testing. Allele origin: germline. Affected: no.
Comment: BS1, BP4

GeneDx
Classification: Uncertain significance. Last evaluated: 2024-02-29. Review status: criteria provided, single submitter. Criteria: GeneDx Variant Classification Process June 2021. Collection method: clinical testing. Allele origin: germline. Affected: yes.
Comment: Has not been previously published as pathogenic or benign to our knowledge; In silico analysis supports that this missense variant does not alter protein structure/function

Ambry Genetics
Classification: Uncertain significance for Cardiovascular phenotype. Last evaluated: 2023-11-09. Review status: criteria provided, single submitter. Criteria: Ambry Variant Classification Scheme 2023. Collection method: clinical testing. Allele origin: germline.
Comment: The p.E860G variant (also known as c.2579A>G), located in coding exon 10 of the RBM20 gene, results from an A to G substitution at nucleotide position 2579. The glutamic acid at codon 860 is replaced by glycine, an amino acid with similar properties. This amino acid position is well conserved in available vertebrate species; however, glycine is the reference amino acid in other vertebrate species. In addition, this alteration is predicted to be tolerated by in silico analysis. Since supporting evidence is limited at this time, the clinical significance of this alteration remains unclear.

Illumina Laboratory Services, Illumina
Classification: Uncertain significance for Dilated cardiomyopathy 1DD. Last evaluated: 2018-01-12. Review status: criteria provided, single submitter. Criteria: ICSL Variant Classification Criteria 13 December 2019. Collection method: clinical testing. Allele origin: germline.

NM_001134363.3(RBM20):c.2579A>G (p.Glu860Gly)

Gene: RBM20 (RNA binding motif protein 20; plus strand). Cytogenetic location: 10q25.2.
Variant type: single nucleotide variant.
Coding change: c.2579A>G on transcript NM_001134363.3 (MANE Select); coding-DNA position 2579, A replaced by G.
Protein change: p.Glu860Gly; replaces glutamic acid 860 with glycine.
Molecular consequence: missense variant.
Genome position (GRCh38, 1-based): chr10:110,820,100, A>G. VCF-style: chr10-110820100-A-G. GRCh37 (hg19) VCF-style: chr10-112579858-A-G.
Other names: short protein forms E860G.
Identifiers: ClinVar variation 843073 (VCV000843073.17), dbSNP rs758720475, ClinGen allele CA5688702.